The following is an entry in ClinVar:

ClinVar aggregate classification (germline): Pathogenic/Likely pathogenic. Review status: criteria provided, multiple submitters, no conflicts (2 of 4 stars). 4 submissions from 4 submitters: Pathogenic (1); Likely pathogenic (3). Last evaluated 2026-04-01.

Conditions:
Age related macular degeneration 15. Also called: MACULAR DEGENERATION, AGE-RELATED, 15, SUSCEPTIBILITY TO. Identifiers: MedGen C3810042, MONDO:0014266, OMIM 615591.
Complement component 9 deficiency (C9D). Also called: C9 deficiency. Identifiers: MedGen C3151189, MONDO:0013445, OMIM 613825.
Primary ciliary dyskinesia. Also called: Ciliary dyskinesia. Identifiers: Orphanet 244, MedGen C0008780, MONDO:0016575, HP:0012265.
C9-related disorder. Also called: C9-related condition.

Submissions (4):

Department of Human Genetics, Hannover Medical School
Classification: Likely pathogenic for Primary Ciliary Dyskinesia. Last evaluated: 2026-04-01. Review status: criteria provided, single submitter. Criteria: ACMG Guidelines, 2015. Collection method: research. Allele origin: germline. Affected: no.
Comment: Classification performed by HerediClassify using the following criteria:['PM2_supporting: Variant occures does not occur as homozygous in gnomAD.', 'PVS1_protein_very_strong: Transcript ENST00000263408 is predicted to undergo NMD.']

Labcorp Genetics (formerly Invitae), Labcorp
Classification: Pathogenic. Last evaluated: 2025-09-14. Review status: criteria provided, single submitter. Criteria: Invitae Variant Classification Sherloc (09022015). Collection method: clinical testing. Allele origin: germline.
Comment: This sequence change creates a premature translational stop signal (p.Ser395Cysfs*4) in the C9 gene. It is expected to result in an absent or disrupted protein product. Loss-of-function variants in C9 are known to be pathogenic (PMID: 9144525, 9570574). This variant is present in population databases (rs752437276, gnomAD 0.005%). This variant has not been reported in the literature in individuals affected with C9-related conditions. Algorithms developed to predict the effect of sequence changes on RNA splicing suggest that this variant may disrupt the consensus splice site. For these reasons, this variant has been classified as Pathogenic.

PreventionGenetics, part of Exact Sciences
Classification: Likely pathogenic for C9-related condition. Last evaluated: 2025-09-08. Review status: criteria provided, single submitter. Criteria: ACMG Guidelines, 2015. Collection method: clinical testing. Allele origin: germline.
Comment: The C9 c.1184_1185delCT variant is predicted to result in a frameshift and premature protein termination (p.Ser395Cysfs*4). To our knowledge, this variant has not been reported in the literature. This variant is reported in 0.0047% of alleles in individuals of European (Non-Finnish) descent in gnomAD. Frameshift variants in C9 are expected to be pathogenic. This variant is interpreted as likely pathogenic.

Fulgent Genetics
Classification: Likely pathogenic for Complement component 9 deficiency; Age related macular degeneration 15. Last evaluated: 2022-02-25. Review status: criteria provided, single submitter. Criteria: ACMG Guidelines, 2015. Collection method: clinical testing. Allele origin: unknown.

Literature cited by the submitters: PubMed 9144525 (cited by Labcorp Genetics (formerly Invitae), Labcorp); PubMed 9570574 (cited by Labcorp Genetics (formerly Invitae), Labcorp).

NM_001737.5(C9):c.1184_1185del (p.Ser395fs)

Gene: C9 (complement C9; minus strand). Cytogenetic location: 5p13.1.
Variant type: Microsatellite.
Coding change: c.1184_1185del on transcript NM_001737.5 (MANE Select); coding-DNA positions 1184 to 1185, 2 bases deleted (CT; older notation c.1184_1185delCT).
Protein change: p.Ser395fs; shifts the reading frame from serine 395.
Molecular consequence: frameshift variant.
Genome position (GRCh38, 1-based): chr5:39,308,285-39,308,286, AG deleted on the plus strand (CT on the coding strand, the reverse complement: C9 is on the minus strand); deleting any 2 consecutive bases within chr5:39,308,285-39,308,289 gives the same sequence; the c. name uses the placement nearest the transcript's 3' end. VCF-style (leftmost placement, unchanged base first): chr5-39308284-CAG-C. GRCh37 (hg19) VCF-style: chr5-39308386-CAG-C.
Other names: c.1184_1185delCT (NM_001737.4); short protein forms S395fs.
Identifiers: ClinVar variation 1455046 (VCV001455046.8), dbSNP rs752437276, ClinGen allele CA3246771.